The following is an entry in ClinVar:

NM_005591.4(MRE11):c.981A>G (p.Lys327=)

Gene: MRE11 (MRE11 double strand break repair nuclease; minus strand). Cytogenetic location: 11q21.
Variant type: single nucleotide variant.
Coding change: c.981A>G on transcript NM_005591.4 (MANE Select); coding-DNA position 981, A replaced by G.
Protein change: p.Lys327=; no amino-acid change (lysine 327 retained).
Molecular consequence: synonymous variant.
Genome position (GRCh38, 1-based): chr11:94,470,507, T>C on the plus strand (A>G on the coding strand, the complement: MRE11 is on the minus strand). VCF-style: chr11-94470507-T-C. GRCh37 (hg19) VCF-style: chr11-94203673-T-C.
Other names: c.981A>G, p.Lys327= (NM_001330347.2, NM_005590.4).
Identifiers: ClinVar variation 142589 (VCV000142589.15), dbSNP rs587782569, ClinGen allele CA168765.

ClinVar aggregate classification (germline): Uncertain significance. Review status: criteria provided, multiple submitters, no conflicts (2 of 4 stars). 5 submissions from 5 submitters: Uncertain significance (5). Last evaluated 2025-10-17.

Conditions:
Ataxia-telangiectasia-like disorder (ATLD). Identifiers: MedGen C1858391, MONDO:0011457.
Hereditary cancer-predisposing syndrome. Also called: Hereditary Cancer Syndrome; Neoplastic Syndromes, Hereditary; Hereditary neoplastic syndrome; Tumor predisposition. Identifiers: Orphanet 140162, MedGen C0027672, MeSH D009386, MONDO:0015356.
Ataxia-telangiectasia-like disorder 1 (ATLD1). Identifiers: Orphanet 251347, MedGen C4012790, MONDO:0024557, OMIM 604391.

Allele frequency attached by ClinVar (database versions not stated): gnomAD exomes below 0.00001; TOPMed below 0.00001; gnomAD 0.00001.
gnomAD v4.1: 4 of 1,613,050 alleles (0.00025%); highest among the groups gnomAD compares: Non-Finnish European, 0.00034%; no homozygotes.

Submissions (5):

Quest Diagnostics Nichols Institute San Juan Capistrano
Classification: Uncertain significance. Last evaluated: 2025-10-17. Review status: criteria provided, single submitter. Criteria: Quest Diagnostics criteria. Collection method: clinical testing. Allele origin: unknown.
Comment: The MRE11 c.981A>G (p.Lys327=) synonymous variant has not been reported in individuals with MRE11-related conditions in the published literature. The frequency of this variant in the general population (Genome Aggregation Database) is uninformative in the assessment of its pathogenicity. Analysis of this variant using software algorithms for the prediction of the effect of nucleotide changes on MRE11 mRNA splicing yielded predictions that this variant may result in the gain of a cryptic splice site without affecting the natural splice sites. Based on the available information, we are unable to determine the clinical significance of this variant.

Athena Diagnostics
Classification: Uncertain significance. Last evaluated: 2025-03-26. Review status: criteria provided, single submitter. Criteria: Athena Diagnostics Criteria. Collection method: clinical testing. Allele origin: unknown.
Comment: Available data are insufficient to determine the clinical significance of the variant at this time. The frequency of this variant in the general population is uninformative in assessment of its pathogenicity. Computational tools yielded predictions that this variant may result in the gain of a cryptic splice site without affecting the natural splice sites.

Labcorp Genetics (formerly Invitae), Labcorp
Classification: Uncertain significance for Ataxia-telangiectasia-like disorder. Last evaluated: 2022-08-15. Review status: criteria provided, single submitter. Criteria: Invitae Variant Classification Sherloc (09022015). Collection method: clinical testing. Allele origin: germline.
Comment: This sequence change affects codon 327 of the MRE11 mRNA. It is a 'silent' change, meaning that it does not change the encoded amino acid sequence of the MRE11 protein. This variant is not present in population databases (gnomAD no frequency). This variant has not been reported in the literature in individuals affected with MRE11-related conditions. ClinVar contains an entry for this variant (Variation ID: 142589). Algorithms developed to predict the effect of sequence changes on RNA splicing suggest that this variant may create or strengthen a splice site. In summary, the available evidence is currently insufficient to determine the role of this variant in disease. Therefore, it has been classified as a Variant of Uncertain Significance.

Ambry Genetics
Classification: Uncertain significance for Hereditary cancer-predisposing syndrome. Last evaluated: 2021-11-29. Review status: criteria provided, single submitter. Criteria: Ambry Variant Classification Scheme 2023. Collection method: clinical testing. Allele origin: germline.
Comment: The c.981A>G variant (also known as p.K327K), located in coding exon 8 of the MRE11A gene, results from an A to G substitution at nucleotide position 981. This nucleotide substitution does not change the amino acid at codon 327. This nucleotide position is not well conserved in available vertebrate species. In silico splice site analysis predicts that this alteration will result in the creation or strengthening of a novel splice donor site; however, direct evidence is insufficient at this time (Ambry internal data). Since supporting evidence is limited at this time, the clinical significance of this alteration remains unclear.

Illumina Laboratory Services, Illumina
Classification: Uncertain significance for Ataxia-telangiectasia-like disorder 1. Last evaluated: 2017-04-27. Review status: criteria provided, single submitter. Criteria: ICSL Variant Classification Criteria 13 December 2019. Collection method: clinical testing. Allele origin: germline.